The following is an entry in ClinVar:

ClinVar aggregate classification (germline): Uncertain significance (1 of 4 stars; one submission).

Conditions:
Neurofibromatosis, type 1 (NF1). Also called: VON RECKLINGHAUSEN DISEASE; Neurofibromatosis, type I; NEUROFIBROMATOSIS, TYPE I, SOMATIC; Peripheral type neurofibromatosis. Identifiers: Orphanet 636, MedGen C0027831, MONDO:0018975, OMIM 162200. Disease mechanism: loss of function.

Submission:

Labcorp Genetics (formerly Invitae), Labcorp
Classification: Uncertain significance for Neurofibromatosis, type 1. Last evaluated: 2025-02-19. Review status: criteria provided, single submitter. Criteria: Invitae Variant Classification Sherloc (09022015). Collection method: clinical testing. Allele origin: germline.
Comment: This sequence change replaces histidine, which is basic and polar, with glutamine, which is neutral and polar, at codon 31 of the NF1 protein (p.His31Gln). This variant is not present in population databases (gnomAD no frequency). This variant has not been reported in the literature in individuals affected with NF1-related conditions. Invitae Evidence Modeling of protein sequence and biophysical properties (such as structural, functional, and spatial information, amino acid conservation, physicochemical variation, residue mobility, and thermodynamic stability) indicates that this missense variant is not expected to disrupt NF1 protein function with a negative predictive value of 95%. In summary, the available evidence is currently insufficient to determine the role of this variant in disease. Therefore, it has been classified as a Variant of Uncertain Significance.

NM_001042492.3(NF1):c.93T>G (p.His31Gln)

Gene: NF1 (neurofibromin 1; plus strand). Cytogenetic location: 17q11.2.
Variant type: single nucleotide variant.
Coding change: c.93T>G on transcript NM_001042492.3 (MANE Select); coding-DNA position 93, T replaced by G.
Protein change: p.His31Gln; replaces histidine 31 with glutamine.
Molecular consequence: missense variant.
Genome position (GRCh38, 1-based): chr17:31,156,015, T>G. VCF-style: chr17-31156015-T-G. GRCh37 (hg19) VCF-style: chr17-29483033-T-G.
Other names: c.93T>G, p.His31Gln (NM_000267.4, NM_001128147.3); short protein forms H31Q.
Identifiers: ClinVar variation 4800695 (VCV004800695.1).